The following is an entry in ClinVar:

ClinVar aggregate classification (germline): Uncertain significance (1 of 4 stars; one submission).

Conditions:
Congenital glucose-galactose malabsorption (GGM). Also called: MONOSACCHARIDE MALABSORPTION; DIARRHEA 16. Identifiers: Orphanet 35710, MedGen C0268186, MONDO:0011731, OMIM 606824.

Allele frequency attached by ClinVar (database versions not stated): gnomAD 0.00002; gnomAD exomes 0.00005; ExAC 0.00006.
gnomAD v4.1: 71 of 1,613,618 alleles (0.0044%); highest among the groups gnomAD compares: Non-Finnish European, 0.0044%; no homozygotes.

Submission:

Labcorp Genetics (formerly Invitae), Labcorp
Classification: Uncertain significance for Congenital glucose-galactose malabsorption. Last evaluated: 2025-02-20. Review status: criteria provided, single submitter. Criteria: Invitae Variant Classification Sherloc (09022015). Collection method: clinical testing. Allele origin: germline.
Comment: This sequence change affects codon 124 of the SLC5A1 mRNA. It is a 'silent' change, meaning that it does not change the encoded amino acid sequence of the SLC5A1 protein. This variant also falls at the last nucleotide of exon 4, which is part of the consensus splice site for this exon. This variant is present in population databases (rs200270930, gnomAD 0.04%). This variant has not been reported in the literature in individuals affected with SLC5A1-related conditions. ClinVar contains an entry for this variant (Variation ID: 2413399). Variants that disrupt the consensus splice site are a relatively common cause of aberrant splicing (PMID: 17576681, 9536098). Algorithms developed to predict the effect of sequence changes on RNA splicing suggest that this variant is not likely to affect RNA splicing. In summary, the available evidence is currently insufficient to determine the role of this variant in disease. Therefore, it has been classified as a Variant of Uncertain Significance.

Literature cited by the submitters: PubMed 17576681; PubMed 9536098.

NM_000343.4(SLC5A1):c.372G>A (p.Gly124=)

Gene: SLC5A1 (solute carrier family 5 member 1; plus strand). Cytogenetic location: 22q12.3.
Variant type: single nucleotide variant.
Coding change: c.372G>A on transcript NM_000343.4 (MANE Select); coding-DNA position 372, G replaced by A.
Protein change: p.Gly124=; no amino-acid change (glycine 124 retained).
Molecular consequence: synonymous variant. On other transcripts: 5 prime UTR variant (1).
Genome position (GRCh38, 1-based): chr22:32,068,026, G>A. VCF-style: chr22-32068026-G-A. GRCh37 (hg19) VCF-style: chr22-32464013-G-A.
Other names: c.-10G>A (NM_001256314.2).
Identifiers: ClinVar variation 2413399 (VCV002413399.6), dbSNP rs200270930, ClinGen allele CA10197931.